The following is an entry in ClinVar:

NM_058216.3(RAD51C):c.1113C>A (p.Asp371Glu)

Gene: RAD51C (RAD51 paralog C; plus strand). Cytogenetic location: 17q22.
Variant type: single nucleotide variant.
Coding change: c.1113C>A on transcript NM_058216.3 (MANE Select); coding-DNA position 1113, C replaced by A.
Protein change: p.Asp371Glu; replaces aspartic acid 371 with glutamic acid.
Molecular consequence: missense variant. On other transcripts: non-coding transcript variant (1).
Genome position (GRCh38, 1-based): chr17:58,734,204, C>A. VCF-style: chr17-58734204-C-A. GRCh37 (hg19) VCF-style: chr17-56811565-C-A.
Other names: short protein forms D371E.
Identifiers: ClinVar variation 639922 (VCV000639922.8), dbSNP rs1598540411, ClinGen allele CA400366576.
Genomic context (GRCh38, chr17:58,734,204, plus strand): 5'-TACTTCTGCATGTTCATTGCAAACAGAAGGTTCCTTGAGCACCCGGAAACGGTCACGAGA[C>A]CCAGAGGAAGAATTATAACCCAGAAACAAATCTCAAAGTGTACAAATTTATTGATGTTGT-3'
Protein context (NP_478123.1, residues 361-376): GSLSTRKRSR[Asp371Glu]PEEEL

ClinVar aggregate classification (germline): Uncertain significance (1 of 4 stars; one submission).

Conditions:
Fanconi anemia complementation group O. Also called: RAD51C-Related Fanconi Anemia. Identifiers: Orphanet 84, MedGen C3150653, MONDO:0013248, OMIM 613390.

Submission:

Labcorp Genetics (formerly Invitae), Labcorp
Classification: Uncertain significance for Fanconi anemia complementation group O. Last evaluated: 2018-11-13. Review status: criteria provided, single submitter. Criteria: Invitae Variant Classification Sherloc (09022015). Collection method: clinical testing. Allele origin: germline.
Comment: This sequence change replaces aspartic acid with glutamic acid at codon 371 of the RAD51C protein (p.Asp371Glu). The aspartic acid residue is weakly conserved and there is a small physicochemical difference between aspartic acid and glutamic acid. This variant is not present in population databases (ExAC no frequency). This variant has not been reported in the literature in individuals with RAD51C-related disease. Algorithms developed to predict the effect of missense changes on protein structure and function output the following: SIFT: "Tolerated"; PolyPhen-2: "Benign"; Align-GVGD: "Class C0". The glutamic acid amino acid residue is found in multiple mammalian species, suggesting that this missense change does not adversely affect protein function. These predictions have not been confirmed by published functional studies and their clinical significance is uncertain. In summary, the available evidence is currently insufficient to determine the role of this variant in disease. Therefore, it has been classified as a Variant of Uncertain Significance.